The following is an entry in ClinVar:

NM_006231.4(POLE):c.6349A>G (p.Asn2117Asp)

Gene: POLE (DNA polymerase epsilon, catalytic subunit; minus strand). Cytogenetic location: 12q24.33.
Variant type: single nucleotide variant.
Coding change: c.6349A>G on transcript NM_006231.4 (MANE Select); coding-DNA position 6349, A replaced by G.
Protein change: p.Asn2117Asp; replaces asparagine 2117 with aspartic acid.
Molecular consequence: missense variant.
Genome position (GRCh38, 1-based): chr12:132,626,299, T>C on the plus strand (A>G on the coding strand, the complement: POLE is on the minus strand). VCF-style: chr12-132626299-T-C. GRCh37 (hg19) VCF-style: chr12-133202885-T-C.
Other names: short protein forms N2117D.
Identifiers: ClinVar variation 473797 (VCV000473797.8), dbSNP rs1555301269, ClinGen allele CA387367869.

ClinVar aggregate classification (germline): Uncertain significance (1 of 4 stars; one submission).

Submission:

Labcorp Genetics (formerly Invitae), Labcorp
Classification: Uncertain significance. Last evaluated: 2017-03-13. Review status: criteria provided, single submitter. Criteria: Invitae Variant Classification Sherloc (09022015). Collection method: clinical testing. Allele origin: germline.
Comment: In summary, this variant is a novel missense change that is not predicted to affect protein function. There is no indication that it causes disease, but the available evidence is currently insufficient to prove that conclusively. Therefore, it has been classified as a Variant of Uncertain Significance. Algorithms developed to predict the effect of missense changes on protein structure and function (SIFT, PolyPhen-2, Align-GVGD) all suggest that this variant is likely to be tolerated, but these predictions have not been confirmed by published functional studies. This variant is not present in population databases (ExAC no frequency) and has not been reported in the literature in individuals with a POLE-related disease. This sequence change replaces asparagine with aspartic acid at codon 2117 of the POLE protein (p.Asn2117Asp). The asparagine residue is moderately conserved and there is a small physicochemical difference between asparagine and aspartic acid.